The following is an entry in ClinVar:

ClinVar aggregate classification (germline): Uncertain significance (1 of 4 stars; one submission).

Submission:

GeneDx
Classification: Uncertain significance. Last evaluated: 2023-07-07. Review status: criteria provided, single submitter. Criteria: GeneDx Variant Classification Process June 2021. Collection method: clinical testing. Allele origin: germline. Affected: yes.
Comment: Not observed at significant frequency in large population cohorts (gnomAD); Missense variants in this gene are often considered pathogenic (HGMD); In silico analysis supports that this missense variant has a deleterious effect on protein structure/function; Has not been previously published as pathogenic or benign to our knowledge; This variant is associated with the following publications: (PMID: 20829227)

NM_006086.4(TUBB3):c.83A>G (p.His28Arg)

Gene: TUBB3 (tubulin beta 3 class III; plus strand). Cytogenetic location: 16q24.3.
Variant type: single nucleotide variant.
Coding change: c.83A>G on transcript NM_006086.4 (MANE Select); coding-DNA position 83, A replaced by G.
Protein change: p.His28Arg; replaces histidine 28 with arginine.
Molecular consequence: missense variant. On other transcripts: 5 prime UTR variant (1).
Genome position (GRCh38, 1-based): chr16:89,932,596, A>G. VCF-style: chr16-89932596-A-G. GRCh37 (hg19) VCF-style: chr16-89999004-A-G.
Other names: c.-134A>G (NM_001197181.2); short protein forms H28R.
Identifiers: ClinVar variation 3360882 (VCV003360882.1).